The following is an entry in ClinVar:

NM_000099.4(CST3):c.247G>A (p.Val83Ile)

Gene: CST3 (cystatin C; minus strand). Cytogenetic location: 20p11.21.
Variant type: single nucleotide variant.
Coding change: c.247G>A on transcript NM_000099.4 (MANE Select); coding-DNA position 247, G replaced by A.
Protein change: p.Val83Ile; replaces valine 83 with isoleucine.
Molecular consequence: missense variant.
Genome position (GRCh38, 1-based): chr20:23,635,364, C>T on the plus strand (G>A on the coding strand, the complement: CST3 is on the minus strand). VCF-style: chr20-23635364-C-T. GRCh37 (hg19) VCF-style: chr20-23616001-C-T.
Other names: p.Val83Ile; c.247G>A, p.Val83Ile (NM_001288614.2); short protein forms V83I.
Identifiers: ClinVar variation 3380658 (VCV003380658.2).
Genomic context (GRCh38, chr20:23,635,364, plus strand): 5'-GGGTCTTGGTACACGTGGTTCGGCCCAGCTCCACGTCCAAGAAGTAGTTCACCCCAGCTA[C>T]GATCTACACATGTGAAAGAGCAGGAGGCAGGGACAGCACGTTCTGTCAGTTTCTTACACA-3'
Protein context (NP_000090.1, residues 73-93): LQVVRARKQI[Val83Ile]AGVNYFLDVE

ClinVar aggregate classification (germline): Uncertain significance (1 of 4 stars; one submission).

gnomAD v4.1: 13 of 1,461,626 alleles (0.00089%); highest among the groups gnomAD compares: African/African-American, 0.0093%; no homozygotes.

Submission:

Mayo Clinic Laboratories, Mayo Clinic
Classification: Uncertain significance. Last evaluated: 2024-11-06. Review status: criteria provided, single submitter. Criteria: ACMG Guidelines, 2015. Collection method: clinical testing. Allele origin: germline. Observed: 2 variant alleles.
Comment: PM2_supporting